The following is an entry in ClinVar:

ClinVar aggregate classification (germline): Uncertain significance. Review status: criteria provided, multiple submitters, no conflicts (2 of 4 stars). 3 submissions from 3 submitters: Uncertain significance (3). Last evaluated 2024-04-22.

Allele frequency attached by ClinVar (database versions not stated): ExAC 0.00007; gnomAD exomes 0.00006; TOPMed 0.00001.

Submissions (3):

Genomic Research Center, Shahid Beheshti University of Medical Sciences
Classification: Uncertain significance. Last evaluated: 2024-04-22. Review status: criteria provided, single submitter. Criteria: ACMG Guidelines, 2015. Collection method: clinical testing. Allele origin: unknown. Affected: no.

Labcorp Genetics (formerly Invitae), Labcorp
Classification: Uncertain significance. Last evaluated: 2021-12-05. Review status: criteria provided, single submitter. Criteria: Invitae Variant Classification Sherloc (09022015). Collection method: clinical testing. Allele origin: germline.
Comment: This sequence change replaces arginine, which is basic and polar, with glutamine, which is neutral and polar, at codon 196 of the ERCC2 protein (p.Arg196Gln). This variant is present in population databases (rs753293260, gnomAD 0.03%). This variant has not been reported in the literature in individuals affected with ERCC2-related conditions. ClinVar contains an entry for this variant (Variation ID: 1305993). Algorithms developed to predict the effect of missense changes on protein structure and function are either unavailable or do not agree on the potential impact of this missense change (SIFT: "Deleterious"; PolyPhen-2: "Probably Damaging"; Align-GVGD: "Class C0"). In summary, the available evidence is currently insufficient to determine the role of this variant in disease. Therefore, it has been classified as a Variant of Uncertain Significance.

GeneDx
Classification: Uncertain significance. Last evaluated: 2019-05-21. Review status: criteria provided, single submitter. Criteria: GeneDx Variant Classification Process June 2021. Collection method: clinical testing. Allele origin: germline. Affected: yes.
Comment: In silico analysis, which includes protein predictors and evolutionary conservation, supports a deleterious effect; Has not been previously published as pathogenic or benign to our knowledge

NM_000400.4(ERCC2):c.587G>A (p.Arg196Gln)

Gene: ERCC2 (ERCC excision repair 2, TFIIH core complex helicase subunit; minus strand). Cytogenetic location: 19q13.32.
Variant type: single nucleotide variant.
Coding change: c.587G>A on transcript NM_000400.4 (MANE Select); coding-DNA position 587, G replaced by A.
Protein change: p.Arg196Gln; replaces arginine 196 with glutamine.
Molecular consequence: missense variant.
Genome position (GRCh38, 1-based): chr19:45,364,845, C>T on the plus strand (G>A on the coding strand, the complement: ERCC2 is on the minus strand). VCF-style: chr19-45364845-C-T. GRCh37 (hg19) VCF-style: chr19-45868103-C-T.
Other names: c.515G>A, p.Arg172Gln (NM_001130867.2); short protein forms R172Q, R196Q.
Identifiers: ClinVar variation 1305993 (VCV001305993.6), dbSNP rs753293260, ClinGen allele CA9513737.